The following is an entry in ClinVar:

ClinVar aggregate classification (germline): Uncertain significance (1 of 4 stars; one submission).

Submission:

GeneDx
Classification: Uncertain significance. Last evaluated: 2024-06-29. Review status: criteria provided, single submitter. Criteria: GeneDx Variant Classification Process June 2021. Collection method: clinical testing. Allele origin: germline. Affected: yes.
Comment: Not observed at significant frequency in large population cohorts (gnomAD); In silico analysis indicates that this missense variant does not alter protein structure/function; Has not been previously published as pathogenic or benign to our knowledge

NM_001282225.2(ADA2):c.53C>T (p.Ala18Val)

Gene: ADA2 (adenosine deaminase 2; minus strand). Cytogenetic location: 22q11.1.
Variant type: single nucleotide variant.
Coding change: c.53C>T on transcript NM_001282225.2 (MANE Select); coding-DNA position 53, C replaced by T.
Protein change: p.Ala18Val; replaces alanine 18 with valine.
Molecular consequence: missense variant. On other transcripts: intron variant (3).
Genome position (GRCh38, 1-based): chr22:17,209,625, G>A on the plus strand (C>T on the coding strand, the complement: ADA2 is on the minus strand). VCF-style: chr22-17209625-G-A. GRCh37 (hg19) VCF-style: chr22-17690515-G-A.
Other names: c.53C>T, p.Ala18Val (NM_001282226.2); c.-47-27C>T (NM_001282227.2, NM_001282228.2); c.-38-2335C>T (NM_001282229.2); short protein forms A18V.
Identifiers: ClinVar variation 3392931 (VCV003392931.1).